The following is an entry in ClinVar:

NM_001376.5(DYNC1H1):c.3633del (p.Ile1211fs)

Gene: DYNC1H1 (dynein cytoplasmic 1 heavy chain 1; plus strand). Cytogenetic location: 14q32.31.
Variant type: Deletion.
Coding change: c.3633del on transcript NM_001376.5 (MANE Select); coding-DNA position 3633, one base deleted (T; older notation c.3633delT).
Protein change: p.Ile1211fs; shifts the reading frame from isoleucine 1211.
Molecular consequence: frameshift variant.
Genome position (GRCh38, 1-based): chr14:101,997,103, T deleted; the last of 2 consecutive T bases (chr14:101,997,102-101,997,103); deleting either gives the same sequence. VCF-style (leftmost placement, unchanged base first): chr14-101997101-AT-A. GRCh37 (hg19) VCF-style: chr14-102463438-AT-A.
Other names: short protein forms I1211fs.
Identifiers: ClinVar variation 3663385 (VCV003663385.2).

ClinVar aggregate classification (germline): Uncertain significance (1 of 4 stars; one submission).

Conditions:
Charcot-Marie-Tooth disease axonal type 2O. Also called: CHARCOT-MARIE-TOOTH NEUROPATHY, AXONAL, TYPE 2O; CHARCOT-MARIE-TOOTH DISEASE, AXONAL, AUTOSOMAL DOMINANT, TYPE 2O; Charcot-Marie-Tooth Neuropathy Type 2O; Charcot-Marie-Tooth disease, axonal, type 20. Identifiers: Orphanet 284232, MedGen C3280220, MONDO:0013644, OMIM 614228.

Submission:

Labcorp Genetics (formerly Invitae), Labcorp
Classification: Uncertain significance for Charcot-Marie-Tooth disease axonal type 2O. Last evaluated: 2024-08-24. Review status: criteria provided, single submitter. Criteria: Invitae Variant Classification Sherloc (09022015). Collection method: clinical testing. Allele origin: germline.
Comment: This sequence change creates a premature translational stop signal (p.Ile1211Metfs*31) in the DYNC1H1 gene. It is expected to result in an absent or disrupted protein product. However, the current clinical and genetic evidence is not sufficient to establish whether loss-of-function variants in DYNC1H1 cause disease. This variant is not present in population databases (gnomAD no frequency). This variant has not been reported in the literature in individuals affected with DYNC1H1-related conditions. In summary, the available evidence is currently insufficient to determine the role of this variant in disease. Therefore, it has been classified as a Variant of Uncertain Significance.